The following is an entry in ClinVar:

NM_001399.4(EDA):c.(?_707)_(741_?)del

Gene: EDA (ectodysplasin A; plus strand). Cytogenetic location: Xq13.1.
Variant type: Deletion.
Coding change: c.(?_707)_(741_?)del on transcript NM_001399.4; a large deletion whose breakpoints are not mapped to the base.
Identifiers: ClinVar variation 228340 (VCV000228340.5).

ClinVar aggregate classification (germline): Pathogenic (1 of 4 stars; one submission).

Conditions:
Hypohidrotic X-linked ectodermal dysplasia (XHED). Also called: ECTODERMAL DYSPLASIA, HYPOHIDROTIC, 1; CST SYNDROME; Anhidrotic ectodermal dysplasia X-linked; Christ Siemens Touraine syndrome; ECTODERMAL DYSPLASIA 1, HYPOHIDROTIC, X-LINKED; ECTODERMAL DYSPLASIA 1, HYPOHIDROTIC/HAIR/TOOTH TYPE, X-LINKED. Identifiers: Orphanet 181, Orphanet 238468, MedGen C0162359, MONDO:0010585, OMIM 305100.

Submission:

Laboratory for Molecular Medicine, Mass General Brigham Personalized Medicine
Classification: Pathogenic for Hypohidrotic X-linked ectodermal dysplasia. Last evaluated: 2012-03-07. Review status: criteria provided, single submitter. Criteria: LMM Criteria. Collection method: clinical testing. Allele origin: germline. Inheritance: X-linked inheritance. Observed: 1 variant allele.
Comment: The deletion of exon 5 has not been reported in the literature nor previously id entified by our laboratory. Single or multiple exon deletions in the EDA gene, i ncluding deletions encompassing exon 5, have been reported in individuals with X LHED (Human Gene Mutation Database, Kere 1996, Bayes 1998, Monreal 1998, Paakkon en 2001, Vincent 2001, Lexner 2008, Li 2008, Gros 2010, Schneider 2011, Cluzeau 2011). This deletion is expected to cause a loss of function of the EDA protein, consistent with an established mechanism of pathogenicity in this disease. In summary, this variant meets our criteria to be classified as pathogenic.

Literature cited by the submitters: PubMed 8696334; PubMed 11378824; PubMed 18510547; PubMed 20374512; PubMed 20979233; PubMed 9736768; PubMed 21357618; PubMed 11295832; PubMed 9683615; PubMed 18427821.